The following is an entry in ClinVar:

ClinVar aggregate classification (germline): Uncertain significance (1 of 4 stars; one submission).

Conditions:
Spastic paraplegia. Identifiers: MedGen C0037772, HP:0001258.

gnomAD v4.1: 4 of 1,613,810 alleles (0.00025%); highest among the groups gnomAD compares: Non-Finnish European, 0.00034%; no homozygotes.

Submission:

Labcorp Genetics (formerly Invitae), Labcorp
Classification: Uncertain significance for Spastic paraplegia. Last evaluated: 2025-10-09. Review status: criteria provided, single submitter. Criteria: Invitae Variant Classification Sherloc (09022015). Collection method: clinical testing. Allele origin: germline.
Comment: This sequence change replaces cysteine, which is neutral and slightly polar, with tyrosine, which is neutral and polar, at codon 2444 of the SACS protein (p.Cys2444Tyr). This variant is present in population databases (rs757062222, gnomAD 0.002%). This variant has not been reported in the literature in individuals affected with SACS-related conditions. Invitae Evidence Modeling of protein sequence and biophysical properties (such as structural, functional, and spatial information, amino acid conservation, physicochemical variation, residue mobility, and thermodynamic stability) indicates that this missense variant is not expected to disrupt SACS protein function with a negative predictive value of 95%. In summary, the available evidence is currently insufficient to determine the role of this variant in disease. Therefore, it has been classified as a Variant of Uncertain Significance.

NM_014363.6(SACS):c.7331G>A (p.Cys2444Tyr)

Gene: SACS (sacsin molecular chaperone; minus strand). Cytogenetic location: 13q12.12.
Variant type: single nucleotide variant.
Coding change: c.7331G>A on transcript NM_014363.6 (MANE Select); coding-DNA position 7331, G replaced by A.
Protein change: p.Cys2444Tyr; replaces cysteine 2444 with tyrosine.
Molecular consequence: missense variant.
Genome position (GRCh38, 1-based): chr13:23,336,545, C>T on the plus strand (G>A on the coding strand, the complement: SACS is on the minus strand). VCF-style: chr13-23336545-C-T. GRCh37 (hg19) VCF-style: chr13-23910684-C-T.
Other names: c.6890G>A, p.Cys2297Tyr (NM_001278055.2); c.7358G>A, p.Cys2453Tyr (NM_001437336.1); short protein forms C2453Y, C2444Y, C2297Y.
Identifiers: ClinVar variation 4778505 (VCV004778505.1).